The following is an entry in ClinVar:

ClinVar aggregate classification (germline): Uncertain significance (1 of 4 stars; one submission).

Submission:

Ambry Genetics
Classification: Uncertain significance. Last evaluated: 2023-07-15. Review status: criteria provided, single submitter. Criteria: Ambry Variant Classification Scheme 2023. Collection method: clinical testing. Allele origin: germline.
Comment: The p.L2543Q variant (also known as c.7628T>A), located in coding exon 29 of the POLQ gene, results from a T to A substitution at nucleotide position 7628. The leucine at codon 2543 is replaced by glutamine, an amino acid with dissimilar properties. This amino acid position is conserved. In addition, this alteration is predicted to be deleterious by in silico analysis. Since supporting evidence is limited at this time, the clinical significance of this alteration remains unclear.

NM_199420.4(POLQ):c.7628T>A (p.Leu2543Gln)

Gene: POLQ (DNA polymerase theta; minus strand). Cytogenetic location: 3q13.33.
Variant type: single nucleotide variant.
Coding change: c.7628T>A on transcript NM_199420.4 (MANE Select); coding-DNA position 7628, T replaced by A.
Protein change: p.Leu2543Gln; replaces leucine 2543 with glutamine.
Molecular consequence: missense variant.
Genome position (GRCh38, 1-based): chr3:121,432,949, A>T on the plus strand (T>A on the coding strand, the complement: POLQ is on the minus strand). VCF-style: chr3-121432949-A-T. GRCh37 (hg19) VCF-style: chr3-121151796-A-T.
Other names: short protein forms L2543Q.
Identifiers: ClinVar variation 2625836 (VCV002625836.2), dbSNP rs2546744847, ClinGen allele CA354093620.